The following is an entry in ClinVar:

NM_007294.4(BRCA1):c.4393del (p.Pro1464_Ile1465insTer)

Gene: BRCA1 (BRCA1 DNA repair associated; minus strand). Cytogenetic location: 17q21.31.
Variant type: Deletion.
Coding change: c.4393del on transcript NM_007294.4 (MANE Select); coding-DNA position 4393, one base deleted (A; older notation c.4393delA).
Protein change: p.Pro1464_Ile1465insTer.
Molecular consequence: nonsense. On other transcripts: frameshift variant (362), non-coding transcript variant (1).
Genome position (GRCh38, 1-based): chr17:43,076,579, T deleted on the plus strand (A on the coding strand, the reverse complement: BRCA1 is on the minus strand). VCF-style (leftmost placement, unchanged base first): chr17-43076578-AT-A. GRCh37 (hg19) VCF-style: chr17-41228595-AT-A.
Other names: 4512delA; c.4249delA, p.Ile1417Terfs (NM_001407737.1, NM_001407738.1, NM_001407739.1 and 21 more transcripts); c.4246delA, p.Ile1416Terfs (NM_001407838.1, NM_001407839.1, NM_001407841.1 and 12 more transcripts); c.4393delA, p.Ile1465Terfs (NM_001407854.1, NM_001407593.1, NM_001407594.1 and 8 more transcripts); c.4390delA, p.Ile1464Terfs (NM_001407858.1, NM_001407859.1, NM_001407860.1 and 17 more transcripts); c.4387delA, p.Ile1463Terfs (NM_001407861.1, NM_001407627.1, NM_001407628.1 and 14 more transcripts); c.4192delA, p.Ile1398Terfs (NM_001407862.1); c.4267delA, p.Ile1423Terfs (NM_001407863.1, NM_001407939.1, NM_001407940.1 and 11 more transcripts); and 72 more.
Identifiers: ClinVar variation 37590 (VCV000037590.7), dbSNP rs397507230, ClinGen allele CA002820.

ClinVar aggregate classification (germline): Pathogenic. Review status: reviewed by expert panel (3 of 4 stars). 5 submissions from 5 submitters: Pathogenic (1). 4 of the submissions do not count toward it. Last evaluated 2016-09-08.

Conditions:
Hereditary cancer-predisposing syndrome. Also called: Tumor predisposition; Neoplastic Syndromes, Hereditary; Hereditary Cancer Syndrome; Hereditary neoplastic syndrome. Identifiers: Orphanet 140162, MedGen C0027672, MeSH D009386, MONDO:0015356.
Breast-ovarian cancer, familial, susceptibility to, 1 (BROVCA1). Also called: OVARIAN CANCER, SUSCEPTIBILITY TO; BRCA1 Hereditary Breast and Ovarian Cancer. Identifiers: Orphanet 145, MedGen C2676676, MONDO:0011450, OMIM 604370. Disease mechanism: loss of function.

Submissions (5):

Evidence-based Network for the Interpretation of Germline Mutant Alleles (ENIGMA)
Classification: Pathogenic for Breast-ovarian cancer, familial, susceptibility to, 1. Last evaluated: 2016-09-08. Review status: reviewed by expert panel. Criteria: ENIGMA BRCA1/2 Classification Criteria (2015). Collection method: curation. Allele origin: germline.
Comment: Variant allele predicted to encode a truncated non-functional protein.

Ambry Genetics
Classification: Pathogenic for Hereditary cancer-predisposing syndrome. Last evaluated: 2025-12-17. Review status: criteria provided, single submitter. Criteria: Ambry Variant Classification Scheme 2023. Collection method: clinical testing. Allele origin: germline. Not counted in ClinVar's aggregate classification.
Comment: The c.4393delA pathogenic mutation, located in coding exon 12 of the BRCA1 gene, results from a deletion of one nucleotide at nucleotide position 4393, causing a translational frameshift with a predicted alternate stop codon (p.I1465*). This variant is considered to be rare based on population cohorts in the Genome Aggregation Database (gnomAD). This alteration is expected to result in loss of function by premature protein truncation or nonsense-mediated mRNA decay. As such, this alteration is interpreted as a disease-causing mutation.

Baylor Genetics
Classification: Pathogenic for Breast-ovarian cancer, familial, susceptibility to, 1. Last evaluated: 2023-11-16. Review status: criteria provided, single submitter. Criteria: ACMG Guidelines, 2015. Collection method: clinical testing. Allele origin: unknown. Not counted in ClinVar's aggregate classification.

Consortium of Investigators of Modifiers of BRCA1/2 (CIMBA), c/o University of Cambridge
Classification: Pathogenic for Breast-ovarian cancer, familial, susceptibility to, 1. Last evaluated: 2015-10-02. Review status: criteria provided, single submitter. Criteria: CIMBA Mutation Classification guidelines May 2016. Collection method: clinical testing. Allele origin: germline. Not counted in ClinVar's aggregate classification.

Sharing Clinical Reports Project (SCRP)
Classification: Pathogenic for Breast-ovarian cancer, familial 1. Last evaluated: 2011-08-18. Review status: no assertion criteria provided. Collection method: clinical testing. Allele origin: germline. Not counted in ClinVar's aggregate classification.